The following is an entry in ClinVar:

NM_001004334.4(GPR179):c.5597T>C (p.Leu1866Pro)

Gene: GPR179 (G protein-coupled receptor 179; minus strand). Cytogenetic location: 17q12.
Variant type: single nucleotide variant.
Coding change: c.5597T>C on transcript NM_001004334.4 (MANE Select); coding-DNA position 5597, T replaced by C.
Protein change: p.Leu1866Pro; replaces leucine 1866 with proline.
Molecular consequence: missense variant.
Genome position (GRCh38, 1-based): chr17:38,327,972, A>G on the plus strand (T>C on the coding strand, the complement: GPR179 is on the minus strand). VCF-style: chr17-38327972-A-G. GRCh37 (hg19) VCF-style: chr17-36483855-A-G.
Other names: short protein forms L1866P.
Identifiers: ClinVar variation 1377963 (VCV001377963.6), dbSNP rs375804745, ClinGen allele CA290103451.

ClinVar aggregate classification (germline): Uncertain significance (1 of 4 stars; one submission).

Allele frequency attached by ClinVar (database versions not stated): gnomAD exomes below 0.00001 and 0.00001; ExAC 0.00001; gnomAD 0.00002; TOPMed 0.00004.
gnomAD v4.1: 6 of 1,614,034 alleles (0.00037%); highest among the groups gnomAD compares: African/African-American, 0.0053%; no homozygotes.

Submission:

Labcorp Genetics (formerly Invitae), Labcorp
Classification: Uncertain significance. Last evaluated: 2021-08-27. Review status: criteria provided, single submitter. Criteria: Invitae Variant Classification Sherloc (09022015). Collection method: clinical testing. Allele origin: germline.
Comment: In summary, the available evidence is currently insufficient to determine the role of this variant in disease. Therefore, it has been classified as a Variant of Uncertain Significance. Algorithms developed to predict the effect of missense changes on protein structure and function are either unavailable or do not agree on the potential impact of this missense change (SIFT: "Deleterious"; PolyPhen-2: "Possibly Damaging"; Align-GVGD: "Class C0"). This variant has not been reported in the literature in individuals affected with GPR179-related conditions. This variant is present in population databases (rs375804745, ExAC 0.01%). This sequence change replaces leucine with proline at codon 1866 of the GPR179 protein (p.Leu1866Pro). The leucine residue is weakly conserved and there is a moderate physicochemical difference between leucine and proline.